The following is an entry in ClinVar:

ClinVar aggregate classification (germline): Likely benign (0 of 4 stars; one submission).

Conditions:
RRAS2-related disorder. Also called: RRAS2-related condition.

Allele frequency attached by ClinVar (database versions not stated): TOPMed below 0.00001; gnomAD 0.00001; gnomAD exomes 0.00001.
gnomAD v4.1: 8 of 1,613,050 alleles (0.0005%); highest among the groups gnomAD compares: Non-Finnish European, 0.00068%; no homozygotes.

Submission:

PreventionGenetics, part of Exact Sciences
Classification: Likely benign for RRAS2-related condition. Last evaluated: 2023-02-01. Review status: no assertion criteria provided. Collection method: clinical testing. Allele origin: germline.
Comment: This variant is classified as likely benign based on ACMG/AMP sequence variant interpretation guidelines (Richards et al. 2015 PMID: 25741868, with internal and published modifications).

NM_012250.6(RRAS2):c.138C>T (p.Thr46=)

Gene: RRAS2 (RAS related 2; minus strand). Cytogenetic location: 11p15.2.
Variant type: single nucleotide variant.
Coding change: c.138C>T on transcript NM_012250.6 (MANE Select); coding-DNA position 138, C replaced by T.
Protein change: p.Thr46=; no amino-acid change (threonine 46 retained).
Molecular consequence: synonymous variant.
Genome position (GRCh38, 1-based): chr11:14,295,826, G>A on the plus strand (C>T on the coding strand, the complement: RRAS2 is on the minus strand). VCF-style: chr11-14295826-G-A. GRCh37 (hg19) VCF-style: chr11-14317372-G-A.
Other names: c.-94C>T (NM_001102669.3, NM_001177315.2); c.33C>T, p.Thr11= (NM_001177314.2).
Identifiers: ClinVar variation 3045391 (VCV003045391.2), dbSNP rs782245195, ClinGen allele CA218175410.